The following is an entry in ClinVar:

ClinVar aggregate classification (germline): Likely benign. Review status: criteria provided, multiple submitters, no conflicts (2 of 4 stars). 3 submissions from 3 submitters: Likely benign (2). 1 of the submissions does not count toward it. Last evaluated 2018-05-24.

Conditions:
STEAP3-related disorder. Also called: STEAP3-related condition.

Allele frequency attached by ClinVar (database versions not stated): gnomAD exomes 0.00034; ExAC 0.00052; gnomAD 0.00120 and 0.00128; 1000 Genomes Project 30x 0.00125; 1000 Genomes Project 0.00140; TOPMed 0.00146; ESP Exome Variant Server 0.00185.
gnomAD v4.1: 357 of 1,613,916 alleles (0.022%); highest among the groups gnomAD compares: African/African-American, 0.41%; no homozygotes.

Submissions (3):

Labcorp Genetics (formerly Invitae), Labcorp
Classification: Likely benign. Last evaluated: 2018-05-24. Review status: criteria provided, single submitter. Criteria: Invitae Variant Classification Sherloc (09022015). Collection method: clinical testing. Allele origin: germline.

Breakthrough Genomics
Classification: Likely benign. Review status: criteria provided, single submitter. Criteria: ACMG Guidelines, 2015. Collection method: not provided. Allele origin: germline. Inheritance: Autosomal dominant inheritance. Affected: yes.

PreventionGenetics, part of Exact Sciences
Classification: Benign for STEAP3-related condition. Last evaluated: 2020-01-13. Review status: no assertion criteria provided. Collection method: clinical testing. Allele origin: germline. Not counted in ClinVar's aggregate classification.
Comment: This variant is classified as benign based on ACMG/AMP sequence variant interpretation guidelines (Richards et al. 2015 PMID: 25741868, with internal and published modifications).

NM_182915.3(STEAP3):c.1451C>T (p.Thr484Met)

Gene: STEAP3 (STEAP3 metalloreductase; plus strand). Cytogenetic location: 2q14.2.
Variant type: single nucleotide variant.
Coding change: c.1451C>T on transcript NM_182915.3 (MANE Select); coding-DNA position 1451, C replaced by T.
Protein change: p.Thr484Met; replaces threonine 484 with methionine.
Molecular consequence: missense variant. On other transcripts: 3 prime UTR variant (1).
Genome position (GRCh38, 1-based): chr2:119,263,292, C>T. VCF-style: chr2-119263292-C-T. GRCh37 (hg19) VCF-style: chr2-120020868-C-T.
Other names: c.1421C>T, p.Thr474Met (NM_001008410.2, NM_018234.3); c.*279C>T (NM_138637.3); short protein forms T484M, T474M.
Identifiers: ClinVar variation 728143 (VCV000728143.6), dbSNP rs35619518, ClinGen allele CA1846938.